The following is an entry in ClinVar:

ClinVar aggregate classification (germline): Uncertain significance (1 of 4 stars; one submission).

Conditions:
Senior-Loken syndrome 7 (SLSN7). Identifiers: Orphanet 3156, MedGen C3150877, MONDO:0013326, OMIM 613615.
Bardet-Biedl syndrome 16 (BBS16). Identifiers: Orphanet 110, MedGen C3889474, MONDO:0014444, OMIM 615993.

Allele frequency attached by ClinVar (database versions not stated): gnomAD exomes below 0.00001.
gnomAD v4.1: 1 of 1,613,442 alleles (0.000062%); highest among the groups gnomAD compares: Non-Finnish European, 0.000085%; no homozygotes.

Submission:

Labcorp Genetics (formerly Invitae), Labcorp
Classification: Uncertain significance for Bardet-Biedl syndrome 16; Senior-Loken syndrome 7. Last evaluated: 2022-08-01. Review status: criteria provided, single submitter. Criteria: Invitae Variant Classification Sherloc (09022015). Collection method: clinical testing. Allele origin: germline.
Comment: This sequence change replaces alanine, which is neutral and non-polar, with valine, which is neutral and non-polar, at codon 674 of the SDCCAG8 protein (p.Ala674Val). This variant is present in population databases (no rsID available, gnomAD 0.0009%). This variant has not been reported in the literature in individuals affected with SDCCAG8-related conditions. Algorithms developed to predict the effect of missense changes on protein structure and function are either unavailable or do not agree on the potential impact of this missense change (SIFT: "Tolerated"; PolyPhen-2: "Probably Damaging"; Align-GVGD: "Class C0"). In summary, the available evidence is currently insufficient to determine the role of this variant in disease. Therefore, it has been classified as a Variant of Uncertain Significance.

NM_006642.5(SDCCAG8):c.2021C>T (p.Ala674Val)

Genes: AKT3 (AKT serine/threonine kinase 3; minus strand), SDCCAG8 (SHH signaling and ciliogenesis regulator SDCCAG8; plus strand). Cytogenetic location: 1q43.
Variant type: single nucleotide variant.
Coding change: c.2021C>T on transcript NM_006642.5 (MANE Select); coding-DNA position 2021, C replaced by T.
Protein change: p.Ala674Val; replaces alanine 674 with valine.
Molecular consequence: missense variant. On other transcripts: intron variant (1).
Genome position (GRCh38, 1-based): chr1:243,489,049, C>T. VCF-style: chr1-243489049-C-T. GRCh37 (hg19) VCF-style: chr1-243652351-C-T.
Other names: c.1118C>T, p.Ala373Val (NM_001350246.2, NM_001350247.2, NM_001350251.2); c.2117C>T, p.Ala706Val (NM_001350248.2); c.1727C>T, p.Ala576Val (NM_001350249.2); c.*7-599G>A (NM_181690.2); short protein forms A706V, A576V, A373V, A674V.
Identifiers: ClinVar variation 2107816 (VCV002107816.1), dbSNP rs1256449972, ClinGen allele CA345668031.